The following is an entry in ClinVar:

ClinVar aggregate classification (germline): Uncertain significance. Review status: criteria provided, multiple submitters, no conflicts (2 of 4 stars). 3 submissions from 3 submitters: Uncertain significance (3). Last evaluated 2025-07-31.

Allele frequency attached by ClinVar (database versions not stated): gnomAD 0.00004 and 0.00003; TOPMed 0.00004; gnomAD exomes 0.00002 and 0.00003; ESP Exome Variant Server 0.00008; ExAC 0.00003.

Submissions (3):

Labcorp Genetics (formerly Invitae), Labcorp
Classification: Uncertain significance. Last evaluated: 2025-07-31. Review status: criteria provided, single submitter. Criteria: Invitae Variant Classification Sherloc (09022015). Collection method: clinical testing. Allele origin: germline.
Comment: This sequence change replaces arginine, which is basic and polar, with glutamine, which is neutral and polar, at codon 392 of the TERF2IP protein (p.Arg392Gln). This variant is present in population databases (rs369765785, gnomAD 0.005%). This variant has not been reported in the literature in individuals affected with TERF2IP-related conditions. ClinVar contains an entry for this variant (Variation ID: 1697663). An algorithm developed to predict the effect of missense changes on protein structure and function (PolyPhen-2) suggests that this variant is likely to be tolerated. In summary, the available evidence is currently insufficient to determine the role of this variant in disease. Therefore, it has been classified as a Variant of Uncertain Significance.

Ambry Genetics
Classification: Uncertain significance. Last evaluated: 2025-04-20. Review status: criteria provided, single submitter. Criteria: Ambry Variant Classification Scheme 2023. Collection method: clinical testing. Allele origin: germline.

Center for Genomic Medicine, Rigshospitalet, Copenhagen University Hospital
Classification: Uncertain significance. Last evaluated: 2025-03-04. Review status: criteria provided, single submitter. Criteria: ACMG Guidelines, 2015. Collection method: clinical testing. Allele origin: germline.

NM_018975.4(TERF2IP):c.1175G>A (p.Arg392Gln)

Gene: TERF2IP (TERF2 interacting protein; plus strand). Cytogenetic location: 16q23.1.
Variant type: single nucleotide variant.
Coding change: c.1175G>A on transcript NM_018975.4 (MANE Select); coding-DNA position 1175, G replaced by A.
Protein change: p.Arg392Gln; replaces arginine 392 with glutamine.
Molecular consequence: missense variant. On other transcripts: non-coding transcript variant (1).
Genome position (GRCh38, 1-based): chr16:75,656,586, G>A. VCF-style: chr16-75656586-G-A. GRCh37 (hg19) VCF-style: chr16-75690484-G-A.
Other names: c.1175G>A (NM_018975.3); short protein forms R392Q.
Identifiers: ClinVar variation 1697663 (VCV001697663.11), dbSNP rs369765785, ClinGen allele CA8178180.